The following is an entry in ClinVar:

ClinVar aggregate classification (germline): Uncertain significance (1 of 4 stars; one submission).

Conditions:
Nizon-Isidor syndrome. Identifiers: MedGen C5394350, MONDO:0030030, OMIM 618872.

Submission:

New York Genome Center
Classification: Uncertain significance for Nizon-Isidor syndrome. Last evaluated: 2021-08-06. Review status: criteria provided, single submitter. Criteria: NYGC Assertion Criteria 2020. Collection method: clinical testing. Allele origin: germline. Observed: 1 heterozygote. Study: CSER-NYCKidSeq.
Comment: The heterozygous c.2146-4T>A splice-region variant identified in intron 14 (of 42) of the MED12L gene has not been reported in individuals with MED12L-related disorders. The variant is absent from the gnomAD(v3) database suggesting it is not a common benign variant in the populations represented in that database. In silico tools predict that the variant may not alter the wild-type mRNA splicing (TRAP score = 0.036, Splice AI score = 0.0). Based on the available evidence, the heterozygous c.2146-4T>A splice-region variant identified in the MED12L gene is reported as a variant ofuncertain significance.

NM_001393769.1(MED12L):c.2251-4T>A

Genes: MED12L (mediator complex subunit 12L; plus strand), P2RY12 (purinergic receptor P2Y12; minus strand). Cytogenetic location: 3q25.1.
Variant type: single nucleotide variant.
Coding change: c.2251-4T>A on transcript NM_001393769.1 (MANE Select); 4 bases into the intron before coding-DNA position 2251, T replaced by A.
Molecular consequence: intron variant.
Genome position (GRCh38, 1-based): chr3:151,350,055, T>A. VCF-style: chr3-151350055-T-A. GRCh37 (hg19) VCF-style: chr3-151067843-T-A.
Other names: c.2146-4T>A (NM_053002.6); c.-179-9295A>T (NM_022788.5).
Identifiers: ClinVar variation 1679736 (VCV001679736.1), dbSNP rs772875779, ClinGen allele CA85731596.